The following is an entry in ClinVar:

NM_001040108.2(MLH3):c.988T>C (p.Phe330Leu)

Gene: MLH3 (mutL homolog 3; minus strand). Cytogenetic location: 14q24.3.
Variant type: single nucleotide variant.
Coding change: c.988T>C on transcript NM_001040108.2 (MANE Select); coding-DNA position 988, T replaced by C.
Protein change: p.Phe330Leu; replaces phenylalanine 330 with leucine.
Molecular consequence: missense variant.
Genome position (GRCh38, 1-based): chr14:75,048,668, A>G on the plus strand (T>C on the coding strand, the complement: MLH3 is on the minus strand). VCF-style: chr14-75048668-A-G. GRCh37 (hg19) VCF-style: chr14-75515371-A-G.
Other names: c.988T>C, p.Phe330Leu (NM_014381.3); short protein forms F330L.
Identifiers: ClinVar variation 2624055 (VCV002624055.2), dbSNP rs2139592191, ClinGen allele CA390448317.

ClinVar aggregate classification (germline): Uncertain significance (1 of 4 stars; one submission).

Submission:

Ambry Genetics
Classification: Uncertain significance. Last evaluated: 2023-07-03. Review status: criteria provided, single submitter. Criteria: Ambry Variant Classification Scheme 2023. Collection method: clinical testing. Allele origin: germline.
Comment: The p.F330L variant (also known as c.988T>C), located in coding exon 1 of the MLH3 gene, results from a T to C substitution at nucleotide position 988. The phenylalanine at codon 330 is replaced by leucine, an amino acid with highly similar properties. This amino acid position is conserved. In addition, this alteration is predicted to be deleterious by in silico analysis. Since supporting evidence is limited at this time, the clinical significance of this alteration remains unclear.